The following is an entry in ClinVar:

NM_002291.3(LAMB1):c.1196C>T (p.Thr399Met)

Gene: LAMB1 (laminin subunit beta 1; minus strand). Cytogenetic location: 7q31.1.
Variant type: single nucleotide variant.
Coding change: c.1196C>T on transcript NM_002291.3 (MANE Select); coding-DNA position 1196, C replaced by T.
Protein change: p.Thr399Met; replaces threonine 399 with methionine.
Molecular consequence: missense variant.
Genome position (GRCh38, 1-based): chr7:107,975,407, G>A on the plus strand (C>T on the coding strand, the complement: LAMB1 is on the minus strand). VCF-style: chr7-107975407-G-A. GRCh37 (hg19) VCF-style: chr7-107615852-G-A.
Other names: short protein forms T399M.
Identifiers: ClinVar variation 1981020 (VCV001981020.4), dbSNP rs373593074, ClinGen allele CA4436079.

ClinVar aggregate classification (germline): Uncertain significance (1 of 4 stars; one submission).

Allele frequency attached by ClinVar (database versions not stated): gnomAD 0.00001; gnomAD exomes 0.00001; ExAC 0.00003; ESP Exome Variant Server 0.00008.
gnomAD v4.1: 20 of 1,609,192 alleles (0.0012%); highest among the groups gnomAD compares: South Asian, 0.0044%; no homozygotes.

Submission:

Labcorp Genetics (formerly Invitae), Labcorp
Classification: Uncertain significance. Last evaluated: 2024-11-01. Review status: criteria provided, single submitter. Criteria: Invitae Variant Classification Sherloc (09022015). Collection method: clinical testing. Allele origin: germline.
Comment: This sequence change replaces threonine, which is neutral and polar, with methionine, which is neutral and non-polar, at codon 399 of the LAMB1 protein (p.Thr399Met). This variant is present in population databases (rs373593074, gnomAD 0.007%). This variant has not been reported in the literature in individuals affected with LAMB1-related conditions. ClinVar contains an entry for this variant (Variation ID: 1981020). An algorithm developed to predict the effect of missense changes on protein structure and function (PolyPhen-2) suggests that this variant is likely to be disruptive. In summary, the available evidence is currently insufficient to determine the role of this variant in disease. Therefore, it has been classified as a Variant of Uncertain Significance.